The following is an entry in ClinVar:

ClinVar aggregate classification (germline): Uncertain significance (1 of 4 stars; one submission).

Conditions:
Baller-Gerold syndrome (BGS). Also called: CRANIOSYNOSTOSIS WITH RADIAL DEFECTS. Identifiers: Orphanet 1225, MedGen C0265308, MONDO:0009039, OMIM 218600.

Submission:

Labcorp Genetics (formerly Invitae), Labcorp
Classification: Uncertain significance for Baller-Gerold syndrome. Last evaluated: 2022-09-22. Review status: criteria provided, single submitter. Criteria: Invitae Variant Classification Sherloc (09022015). Collection method: clinical testing. Allele origin: germline.
Comment: In summary, the available evidence is currently insufficient to determine the role of this variant in disease. Therefore, it has been classified as a Variant of Uncertain Significance. Experimental studies and prediction algorithms are not available or were not evaluated, and the functional significance of this variant is currently unknown. This variant has not been reported in the literature in individuals affected with RECQL4-related conditions. This variant is not present in population databases (gnomAD no frequency). This sequence change replaces aspartic acid, which is acidic and polar, with glutamic acid, which is acidic and polar, at codon 297 of the RECQL4 protein (p.Asp297Glu).

NM_004260.4(RECQL4):c.891C>A (p.Asp297Glu)

Gene: RECQL4 (RecQ like helicase 4; minus strand). Cytogenetic location: 8q24.3.
Variant type: single nucleotide variant.
Coding change: c.891C>A on transcript NM_004260.4 (MANE Select); coding-DNA position 891, C replaced by A.
Protein change: p.Asp297Glu; replaces aspartic acid 297 with glutamic acid.
Molecular consequence: missense variant.
Genome position (GRCh38, 1-based): chr8:144,516,228, G>T on the plus strand (C>A on the coding strand, the complement: RECQL4 is on the minus strand). VCF-style: chr8-144516228-G-T. GRCh37 (hg19) VCF-style: chr8-145741612-G-T.
Other names: c.891C>A, p.Asp297Glu (NM_001413017.1, NM_001413018.1, NM_001413019.1 and 4 more transcripts); c.-181C>A (NM_001413021.1, NM_001413022.1, NM_001413023.1 and 7 more transcripts); c.-243C>A (NM_001413030.1, NM_001413031.1, NM_001413032.1 and 2 more transcripts); c.-85C>A (NM_001413034.1); c.762C>A, p.Asp254Glu (NM_001413025.1); c.540C>A, p.Asp180Glu (NM_001413029.1); c.-450C>A (NM_001413043.1); short protein forms D180E, D254E, D297E.
Identifiers: ClinVar variation 1719954 (VCV001719954.5), dbSNP rs34700133, ClinGen allele CA372688757.